The following is an entry in ClinVar:

NM_018685.5(ANLN):c.2347G>T (p.Glu783Ter)

Gene: ANLN (anillin, actin binding protein; plus strand). Cytogenetic location: 7p14.2.
Variant type: single nucleotide variant.
Coding change: c.2347G>T on transcript NM_018685.5 (MANE Select); coding-DNA position 2347, G replaced by T.
Protein change: p.Glu783Ter; replaces glutamic acid 783 with a stop codon.
Molecular consequence: nonsense.
Genome position (GRCh38, 1-based): chr7:36,422,680, G>T. VCF-style: chr7-36422680-G-T. GRCh37 (hg19) VCF-style: chr7-36462289-G-T.
Other names: c.2236G>T, p.Glu746Ter (NM_001284301.3); c.2233G>T, p.Glu745Ter (NM_001284302.3); short protein forms E746*, E783*, E745*.
Identifiers: ClinVar variation 4725692 (VCV004725692.1).
Genomic context (GRCh38, chr7:36,422,680, plus strand): 5'-TTGTTTTACATAGCTGGGAAGAGAACACTTTTGATTGATGAATTGAATAAATTGAAGAAC[G>T]AAGGACCTCAGAGGAAGAATAAGGCTAGTCCCCAAAGTGAATTTATGCCATCCAAAGGAT-3'

ClinVar aggregate classification (germline): Uncertain significance (1 of 4 stars; one submission).

gnomAD v4.1: 1 of 1,611,930 alleles (0.000062%); no homozygotes.

Submission:

Labcorp Genetics (formerly Invitae), Labcorp
Classification: Uncertain significance. Last evaluated: 2025-08-26. Review status: criteria provided, single submitter. Criteria: Invitae Variant Classification Sherloc (09022015). Collection method: clinical testing. Allele origin: germline.
Comment: This sequence change creates a premature translational stop signal (p.Glu783*) in the ANLN gene. It is expected to result in an absent or disrupted protein product. However, the current clinical and genetic evidence is not sufficient to establish whether loss-of-function variants in ANLN cause disease. This variant is present in population databases (no rsID available, gnomAD 0.004%). This variant has not been reported in the literature in individuals affected with ANLN-related conditions. In summary, the available evidence is currently insufficient to determine the role of this variant in disease. Therefore, it has been classified as a Variant of Uncertain Significance.